The following is an entry in ClinVar:

ClinVar aggregate classification (germline): Uncertain significance (1 of 4 stars; one submission).

Conditions:
Hereditary cancer-predisposing syndrome. Also called: Tumor predisposition; Hereditary Cancer Syndrome; Neoplastic Syndromes, Hereditary; Hereditary neoplastic syndrome. Identifiers: Orphanet 140162, MedGen C0027672, MeSH D009386, MONDO:0015356.

Allele frequency attached by ClinVar (database versions not stated): TOPMed below 0.00001.

Submission:

Color Diagnostics, LLC DBA Color Health
Classification: Uncertain significance for Hereditary cancer-predisposing syndrome. Last evaluated: 2024-03-07. Review status: criteria provided, single submitter. Criteria: ACMG Guidelines, 2015. Collection method: clinical testing. Allele origin: germline.
Comment: This missense variant replaces alanine with valine at codon 2526 of the BRCA2 protein. Computational prediction is inconclusive regarding the impact of this variant on protein structure and function (internally defined REVEL score threshold 0.5 < inconclusive < 0.7, PMID: 27666373). To our knowledge, functional studies have not been reported for this variant. This variant has not been reported in individuals affected with hereditary cancer in the literature. This variant has not been identified in the general population by the Genome Aggregation Database (gnomAD). The available evidence is insufficient to determine the role of this variant in disease conclusively. Therefore, this variant is classified as a Variant of Uncertain Significance.

NM_000059.4(BRCA2):c.7577C>T (p.Ala2526Val)

Gene: BRCA2 (BRCA2 DNA repair associated; plus strand). Cytogenetic location: 13q13.1.
Variant type: single nucleotide variant.
Coding change: c.7577C>T on transcript NM_000059.4 (MANE Select); coding-DNA position 7577, C replaced by T.
Protein change: p.Ala2526Val; replaces alanine 2526 with valine.
Molecular consequence: missense variant.
Genome position (GRCh38, 1-based): chr13:32,356,569, C>T. VCF-style: chr13-32356569-C-T. GRCh37 (hg19) VCF-style: chr13-32930706-C-T.
Other names: short protein forms A2526V.
Identifiers: ClinVar variation 1332283 (VCV001332283.3), dbSNP rs2072698935, ClinGen allele CA387743820.
Genomic context (GRCh38, chr13:32,356,569, plus strand): 5'-AGCCAGGCAGTCTGTATCTTGCAAAAACATCCACTCTGCCTCGAATCTCTCTGAAAGCAG[C>T]AGTAGGAGGCCAAGTTCCCTCTGCGTGTTCTCATAAACAGGTATGTGTTTGTCTACAATA-3'
Protein context (NP_000050.3, residues 2516-2536): STLPRISLKA[Ala2526Val]VGGQVPSACS